The following is an entry in ClinVar:

NM_201384.3(PLEC):c.2106G>A (p.Thr702=)

Gene: PLEC (plectin; minus strand). Cytogenetic location: 8q24.3.
Variant type: single nucleotide variant.
Coding change: c.2106G>A on transcript NM_201384.3 (MANE Select); coding-DNA position 2106, G replaced by A.
Protein change: p.Thr702=; no amino-acid change (threonine 702 retained).
Molecular consequence: synonymous variant.
Genome position (GRCh38, 1-based): chr8:143,932,009, C>T on the plus strand (G>A on the coding strand, the complement: PLEC is on the minus strand). VCF-style: chr8-143932009-C-T. GRCh37 (hg19) VCF-style: chr8-145006177-C-T.
Other names: c.2187G>A, p.Thr729= (NM_000445.5); c.2064G>A, p.Thr688= (NM_201378.4); c.2040G>A, p.Thr680= (NM_201379.3); c.2517G>A, p.Thr839= (NM_201380.4); c.2010G>A, p.Thr670= (NM_201381.3); c.2106G>A, p.Thr702= (NM_201382.4); c.2118G>A, p.Thr706= (NM_201383.3); c.2187G>A (NM_000445.4).
Identifiers: ClinVar variation 1104924 (VCV001104924.9), dbSNP rs781912612, ClinGen allele CA4927647.
Genomic context (GRCh38, chr8:143,932,009, plus strand): 5'-AGCGTTCTCCTTCAGGTGTGCCTCGATACAGCAGCACAGCTGTAGCATCCAGCTCCACTG[C>T]GTCTGCAGGGCCGCCTGGAAGGACTGCGGGACAGCAGGTCCCGGTCAGGCCCCGCCCCGC-3'
Protein context (NP_958786.1, residues 692-712): TVESFQAALQ[Thr702=]QWSWMLQLCC

ClinVar aggregate classification (germline): Likely benign. Review status: criteria provided, multiple submitters, no conflicts (2 of 4 stars). 3 submissions from 3 submitters: Likely benign (3). Last evaluated 2026-06-11.

Conditions:
PLEC-related disorder. Also called: PLEC-related disorders; PLEC-related condition.
Epidermolysis bullosa simplex with nail dystrophy (EBS5D). Identifiers: MedGen C4225309, MONDO:0014661, OMIM 616487.
Autosomal recessive limb-girdle muscular dystrophy type 2Q (LGMDR17). Also called: MUSCULAR DYSTROPHY, LIMB-GIRDLE, AUTOSOMAL RECESSIVE 17. Identifiers: Orphanet 254361, MedGen C3150989, MONDO:0013390, OMIM 613723.
Epidermolysis bullosa simplex, Ogna type (EBS5A). Also called: Pidermolysis bullosa simplex 5A, Ogna type; EPIDERMOLYSIS BULLOSA SIMPLEX 5A, OGNA TYPE. Identifiers: Orphanet 79401, MedGen C0432317, MONDO:0007555, OMIM 131950.
Epidermolysis bullosa simplex 5C, with pyloric atresia (EBS5C). Also called: PLEC-Related Epidermolysis Bullosa with Pyloric Atresia; Epidermolysis bullosa simplex with pyloric atresia; PLEC1-Related Epidermolysis Bullosa with Pyloric Atresia. Identifiers: Orphanet 158684, MedGen C2677349, MONDO:0012807, OMIM 612138.
Epidermolysis bullosa simplex 5B, with muscular dystrophy (EBS5B). Also called: EPIDERMOLYSIS BULLOSA SIMPLEX AND LIMB-GIRDLE MUSCULAR DYSTROPHY; Epidermolysis bullosa simplex with muscular dystrophy. Identifiers: Orphanet 257, MedGen C2931072, MONDO:0009181, OMIM 226670.

Allele frequency attached by ClinVar (database versions not stated): gnomAD 0.00001 and 0.00002.
gnomAD v4.1: 88 of 1,604,736 alleles (0.0055%); highest among the groups gnomAD compares: Non-Finnish European, 0.0069%; no homozygotes.

Submissions (3):

PreventionGenetics, part of Exact Sciences
Classification: Likely benign for PLEC-related condition. Last evaluated: 2026-06-11. Review status: criteria provided, single submitter. Criteria: ACMG Guidelines, 2015. Collection method: clinical testing. Allele origin: germline.
Comment: This variant is classified as likely benign based on ACMG/AMP sequence variant interpretation guidelines (Richards et al. 2015 PMID: 25741868, with internal and published modifications).

Labcorp Genetics (formerly Invitae), Labcorp
Classification: Likely benign for Autosomal recessive limb-girdle muscular dystrophy type 2Q; Epidermolysis bullosa simplex, Ogna type; Epidermolysis bullosa simplex with nail dystrophy; Epidermolysis bullosa simplex 5C, with pyloric atresia; Epidermolysis bullosa simplex 5B, with muscular dystrophy. Last evaluated: 2024-10-21. Review status: criteria provided, single submitter. Criteria: Invitae Variant Classification Sherloc (09022015). Collection method: clinical testing. Allele origin: germline.

Blueprint Genetics
Classification: Likely benign. Last evaluated: 2023-09-19. Review status: criteria provided, single submitter. Criteria: ACMG Guidelines, 2015. Collection method: clinical testing. Allele origin: germline.